The following is an entry in ClinVar:

ClinVar aggregate classification (germline): Benign. Review status: criteria provided, multiple submitters, no conflicts (2 of 4 stars). 3 submissions from 3 submitters: Benign (2). 1 of the submissions does not count toward it. Last evaluated 2026-02-02.

Conditions:
FBN3-related disorder. Also called: FBN3-related condition.

Allele frequency attached by ClinVar (database versions not stated): 1000 Genomes Project 0.00659; 1000 Genomes Project 30x 0.00687; TOPMed 0.01558; gnomAD exomes 0.01614 and 0.02689; ExAC 0.01651; gnomAD 0.01697 and 0.01747; ESP Exome Variant Server 0.02030.
gnomAD v4.1: 41,575 of 1,611,144 alleles (2.6%); highest among the groups gnomAD compares: Non-Finnish European, 3.2%; 686 homozygotes.

Submissions (3):

Labcorp Genetics (formerly Invitae), Labcorp
Classification: Benign. Last evaluated: 2026-02-02. Review status: criteria provided, single submitter. Criteria: Invitae Variant Classification Sherloc (09022015). Collection method: clinical testing. Allele origin: germline.

Breakthrough Genomics
Classification: Benign. Review status: criteria provided, single submitter. Criteria: ACMG Guidelines, 2015. Collection method: not provided. Allele origin: germline. Inheritance: Unknown mechanism. Affected: yes.

PreventionGenetics, part of Exact Sciences
Classification: Benign for FBN3-related condition. Last evaluated: 2019-02-21. Review status: no assertion criteria provided. Collection method: clinical testing. Allele origin: germline. Not counted in ClinVar's aggregate classification.
Comment: This variant is classified as benign based on ACMG/AMP sequence variant interpretation guidelines (Richards et al. 2015 PMID: 25741868, with internal and published modifications).

NM_032447.5(FBN3):c.3465C>T (p.Asp1155=)

Gene: FBN3 (fibrillin 3; minus strand). Cytogenetic location: 19p13.2.
Variant type: single nucleotide variant.
Coding change: c.3465C>T on transcript NM_032447.5 (MANE Select); coding-DNA position 3465, C replaced by T.
Protein change: p.Asp1155=; no amino-acid change (aspartic acid 1155 retained).
Molecular consequence: synonymous variant.
Genome position (GRCh38, 1-based): chr19:8,117,290, G>A on the plus strand (C>T on the coding strand, the complement: FBN3 is on the minus strand). VCF-style: chr19-8117290-G-A. GRCh37 (hg19) VCF-style: chr19-8182174-G-A.
Other names: c.3465C>T, p.Asp1155= (NM_001321431.2); c.3465C>T (NM_001321431.1).
Identifiers: ClinVar variation 1672882 (VCV001672882.11), dbSNP rs118050938, ClinGen allele CA9152436.